The following is an entry in ClinVar:

ClinVar aggregate classification (germline): Uncertain significance (1 of 4 stars; one submission).

Conditions:
Inborn genetic diseases. Identifiers: MedGen C0950123, MeSH D030342.

gnomAD v4.1: 1 of 1,614,190 alleles (0.000062%); highest among the groups gnomAD compares: Non-Finnish European, 0.000085%; no homozygotes.

Submission:

Ambry Genetics
Classification: Uncertain significance for Inborn genetic diseases. Last evaluated: 2025-05-18. Review status: criteria provided, single submitter. Criteria: Ambry Variant Classification Scheme 2023. Collection method: clinical testing. Allele origin: germline.
Comment: The p.T248S variant (also known as c.743C>G), located in coding exon 7 of the USB1 gene, results from a C to G substitution at nucleotide position 743. The threonine at codon 248 is replaced by serine, an amino acid with similar properties. This amino acid position is conserved. In addition, this alteration is predicted to be tolerated by in silico analysis. Based on the available evidence, the clinical significance of this variant remains unclear.

NM_024598.4(USB1):c.743C>G (p.Thr248Ser)

Gene: USB1 (U6 snRNA biogenesis phosphodiesterase 1; plus strand). Cytogenetic location: 16q21.
Variant type: single nucleotide variant.
Coding change: c.743C>G on transcript NM_024598.4 (MANE Select); coding-DNA position 743, C replaced by G.
Protein change: p.Thr248Ser; replaces threonine 248 with serine.
Molecular consequence: missense variant.
Genome position (GRCh38, 1-based): chr16:58,020,190, C>G. VCF-style: chr16-58020190-C-G. GRCh37 (hg19) VCF-style: chr16-58054094-C-G.
Other names: c.689C>G, p.Thr230Ser (NM_001195302.2); c.590C>G, p.Thr197Ser (NM_001330568.2); short protein forms T248S, T197S, T230S.
Identifiers: ClinVar variation 3978176 (VCV003978176.1).
Genomic context (GRCh38, chr16:58,020,190, plus strand): 5'-GCTGTTTTAAGGCAATCGTGGATGGGTTTGAAGATGCTGAGGTGCTGCTGCGCGTGCACA[C>G]TGAGCAAGTCCGCTGCAAGTCTGGGAACAAGTTCTTCTCGATGCCTTTGAAGTGAGCACC-3'
Protein context (NP_078874.2, residues 238-258): EDAEVLLRVH[Thr248Ser]EQVRCKSGNK